The following is an entry in ClinVar:

ClinVar aggregate classification (germline): Likely benign (0 of 4 stars; one submission).

Conditions:
NECTIN2-related disorder. Also called: NECTIN2-related condition.

Allele frequency attached by ClinVar (database versions not stated): gnomAD 0.00003; TOPMed 0.00003; gnomAD exomes 0.00006; ExAC 0.00008; ESP Exome Variant Server 0.00008; 1000 Genomes Project 30x 0.00016; 1000 Genomes Project 0.00020.
gnomAD v4.1: 90 of 1,614,146 alleles (0.0056%); highest among the groups gnomAD compares: Middle Eastern, 0.033%; no homozygotes.

Submission:

PreventionGenetics, part of Exact Sciences
Classification: Likely benign for NECTIN2-related condition. Last evaluated: 2019-08-14. Review status: no assertion criteria provided. Collection method: clinical testing. Allele origin: germline.
Comment: This variant is classified as likely benign based on ACMG/AMP sequence variant interpretation guidelines (Richards et al. 2015 PMID: 25741868, with internal and published modifications).

NM_001042724.2(NECTIN2):c.918C>T (p.Ser306=)

Gene: NECTIN2 (nectin cell adhesion molecule 2; plus strand). Cytogenetic location: 19q13.32.
Variant type: single nucleotide variant.
Coding change: c.918C>T on transcript NM_001042724.2 (MANE Select); coding-DNA position 918, C replaced by T.
Protein change: p.Ser306=; no amino-acid change (serine 306 retained).
Molecular consequence: synonymous variant.
Genome position (GRCh38, 1-based): chr19:44,874,354, C>T. VCF-style: chr19-44874354-C-T. GRCh37 (hg19) VCF-style: chr19-45377611-C-T.
Other names: c.918C>T, p.Ser306= (NM_002856.3).
Identifiers: ClinVar variation 3052752 (VCV003052752.2), dbSNP rs139448288, ClinGen allele CA9505242.